The following is an entry in ClinVar:

NM_006904.7(PRKDC):c.2671C>T (p.Arg891Trp)

Gene: PRKDC (protein kinase, DNA-activated, catalytic subunit; minus strand). Cytogenetic location: 8q11.21.
Variant type: single nucleotide variant.
Coding change: c.2671C>T on transcript NM_006904.7 (MANE Select); coding-DNA position 2671, C replaced by T.
Protein change: p.Arg891Trp; replaces arginine 891 with tryptophan.
Molecular consequence: missense variant.
Genome position (GRCh38, 1-based): chr8:47,914,011, G>A on the plus strand (C>T on the coding strand, the complement: PRKDC is on the minus strand). VCF-style: chr8-47914011-G-A. GRCh37 (hg19) VCF-style: chr8-48826571-G-A.
Other names: c.2671C>T, p.Arg891Trp (NM_001081640.2); short protein forms R891W.
Identifiers: ClinVar variation 1915870 (VCV001915870.3), dbSNP rs766419415, ClinGen allele CA4741398.
Genomic context (GRCh38, chr8:47,914,011, plus strand): 5'-GGAACACATCCAGGAAAATGACAGGTTTCATCTCTCTAAAGGGCACTGCAAAGCTCAGCC[G>A]CTTCTCTCTGTCCCAGGCCACATAGCTCTTCATCATCTCATCTGAGGACGTGACTGTTAG-3'
Protein context (NP_008835.5, residues 881-901): KSYVAWDREK[Arg891Trp]LSFAVPFREM

ClinVar aggregate classification (germline): Uncertain significance. Review status: criteria provided, multiple submitters, no conflicts (2 of 4 stars). 2 submissions from 2 submitters: Uncertain significance (2). Last evaluated 2025-10-29.

Conditions:
Severe combined immunodeficiency due to DNA-PKcs deficiency. Also called: Immunodeficiency 26 with or without neurologic abnormalities; IMMUNODEFICIENCY 26 WITH NEUROLOGIC ABNORMALITIES. Identifiers: Orphanet 317425, MedGen C4014833, MONDO:0014423, OMIM 615966.

Allele frequency attached by ClinVar (database versions not stated): TOPMed 0.00001; ExAC 0.00002.
gnomAD v4.1: 7 of 1,599,126 alleles (0.00044%); highest among the groups gnomAD compares: Non-Finnish European, 0.00051%; no homozygotes.

Submissions (2):

Ambry Genetics
Classification: Uncertain significance. Last evaluated: 2025-10-29. Review status: criteria provided, single submitter. Criteria: Ambry Variant Classification Scheme 2023. Collection method: clinical testing. Allele origin: germline.

Labcorp Genetics (formerly Invitae), Labcorp
Classification: Uncertain significance for Severe combined immunodeficiency due to DNA-PKcs deficiency. Last evaluated: 2022-08-25. Review status: criteria provided, single submitter. Criteria: Invitae Variant Classification Sherloc (09022015). Collection method: clinical testing. Allele origin: germline.
Comment: This sequence change replaces arginine, which is basic and polar, with tryptophan, which is neutral and slightly polar, at codon 891 of the PRKDC protein (p.Arg891Trp). This variant is present in population databases (rs766419415, gnomAD 0.002%). This variant has not been reported in the literature in individuals affected with PRKDC-related conditions. Experimental studies and prediction algorithms are not available or were not evaluated, and the functional significance of this variant is currently unknown. In summary, the available evidence is currently insufficient to determine the role of this variant in disease. Therefore, it has been classified as a Variant of Uncertain Significance.